The following is an entry in ClinVar:

NM_024422.6(DSC2):c.2219C>A (p.Ser740Ter)

Gene: DSC2 (desmocollin 2; minus strand). Cytogenetic location: 18q12.1.
Variant type: single nucleotide variant.
Coding change: c.2219C>A on transcript NM_024422.6 (MANE Select); coding-DNA position 2219, C replaced by A.
Protein change: p.Ser740Ter; replaces serine 740 with a stop codon.
Molecular consequence: nonsense.
Genome position (GRCh38, 1-based): chr18:31,070,757, G>T on the plus strand (C>A on the coding strand, the complement: DSC2 is on the minus strand). VCF-style: chr18-31070757-G-T. GRCh37 (hg19) VCF-style: chr18-28650723-G-T.
Other names: c.2219C>A, p.Ser740Ter (NM_004949.5); short protein forms S740*.
Identifiers: ClinVar variation 3382650 (VCV003382650.4), dbSNP rs2144788151.

ClinVar aggregate classification (germline): Likely pathogenic. Review status: criteria provided, multiple submitters, no conflicts (2 of 4 stars). 2 submissions from 2 submitters: Likely pathogenic (2). Last evaluated 2023-11-27.

Conditions:
Arrhythmogenic right ventricular cardiomyopathy (ARVD). Also called: Arrhythmogenic cardiomyopathy; Arrhythmogenic Right Ventricular Cardiomyopathy (ARVC); Cardiomyopathy, ARVC; Arrhythmogenic right ventricular dysplasia. Identifiers: Orphanet 247, MedGen C0349788, MeSH D019571, MONDO:0016587. Disease mechanism: loss of function. Inheritance: Various modes of inheritance.
Arrhythmogenic right ventricular dysplasia 11. Also called: ARRHYTHMOGENIC RIGHT VENTRICULAR DYSPLASIA, FAMILIAL, 11; Arrhythmogenic Right Ventricular Dysplasia/Cardiomyopathy11; Arrhythmogenic right ventricular dysplasia 11 with mild palmoplantar keratoderma and woolly hair. Identifiers: MedGen C1864850, MONDO:0012506, OMIM 610476.

Submissions (2):

Illumina Laboratory Services, Illumina
Classification: Likely pathogenic for Arrhythmogenic right ventricular cardiomyopathy. Last evaluated: 2023-11-27. Review status: criteria provided, single submitter. Criteria: ICSLVariantClassificationCriteria RUGD 01 April 2020. Collection method: clinical testing. Allele origin: unknown.
Comment: The DSC2 c.2219C>A p.(Ser740Ter) nonsense variant is expected to result in the loss of normal protein function through either protein truncation or nonsense-mediated mRNA decay. This variant is not observed in version 2.1.1 or version 4.0.0 of the Genome Aggregation Database. Based on the available evidence, the c.2219C>A p.(Ser740Ter) variant is classified as likely pathogenic for arrhythmogenic right ventricular cardiomyopathy.

Juno Genomics, Hangzhou Juno Genomics, Inc
Classification: Likely pathogenic for Arrhythmogenic right ventricular dysplasia 11. Review status: criteria provided, single submitter. Criteria: ACMG Guidelines, 2015. Collection method: clinical testing. Allele origin: germline.
Comment: Absent from controls (or at extremely low frequency if recessive) in Genome Aggregation Database.;Null variant in a gene where loss of function (LOF) is a known mechanism of disease.